The following is an entry in ClinVar:

ClinVar aggregate classification (germline): Uncertain significance (1 of 4 stars; one submission).

Conditions:
Familial thoracic aortic aneurysm and aortic dissection (TAAD). Also called: Thoracic aortic aneurysms and dissections. Identifiers: Orphanet 91387, MedGen C4707243, MONDO:0019625.

Submission:

Ambry Genetics
Classification: Uncertain significance for Familial thoracic aortic aneurysm and aortic dissection. Last evaluated: 2020-12-07. Review status: criteria provided, single submitter. Criteria: Ambry Variant Classification Scheme 2023. Collection method: clinical testing. Allele origin: germline.
Comment: The p.G816A variant (also known as c.2447G>C), located in coding exon 16 of the FLNA gene, results from a G to C substitution at nucleotide position 2447. The glycine at codon 816 is replaced by alanine, an amino acid with similar properties. This amino acid position is well conserved in available vertebrate species. In addition, the in silico prediction for this alteration is inconclusive. Since supporting evidence is limited at this time, the clinical significance of this alteration remains unclear.

NM_001110556.2(FLNA):c.2447G>C (p.Gly816Ala)

Gene: FLNA (filamin A; minus strand). Cytogenetic location: Xq28.
Variant type: single nucleotide variant.
Coding change: c.2447G>C on transcript NM_001110556.2 (MANE Select); coding-DNA position 2447, G replaced by C.
Protein change: p.Gly816Ala; replaces glycine 816 with alanine.
Molecular consequence: missense variant.
Genome position (GRCh38, 1-based): chrX:154,362,536, C>G on the plus strand (G>C on the coding strand, the complement: FLNA is on the minus strand). VCF-style: chrX-154362536-C-G. GRCh37 (hg19) VCF-style: chrX-153590904-C-G.
Other names: c.2447G>C, p.Gly816Ala (NM_001456.4); short protein forms G816A.
Identifiers: ClinVar variation 1791410 (VCV001791410.2), dbSNP rs2522749009, ClinGen allele CA415236746.